The following is an entry in ClinVar:

NM_000060.4:c.528G>T

Gene: BTD (biotinidase; plus strand).
Variant type: single nucleotide variant.
Other names: p.Lys176Asn; c.528G>T (NM_000060.4).
Identifiers: ClinVar variation 4540844 (VCV004540844.1).

ClinVar aggregate classification (germline): Pathogenic (1 of 4 stars; one submission).

Submission:

Mayo Clinic Laboratories, Mayo Clinic
Classification: Pathogenic. Last evaluated: 2025-10-27. Review status: criteria provided, single submitter. Criteria: ACMG Guidelines, 2015. Collection method: clinical testing. Allele origin: germline. Observed: 2 variant alleles.
Comment: PP4, PM2_supporting, PM3_strong, PS4

Literature cited by the submitters: PubMed 10400129; PubMed 22698809; PubMed 26810761; PubMed 38299772.